The following is an entry in ClinVar:

NM_001113378.2(FANCI):c.1992+10T>C

Gene: FANCI (FA complementation group I; plus strand). Cytogenetic location: 15q26.1.
Variant type: single nucleotide variant.
Coding change: c.1992+10T>C on transcript NM_001113378.2 (MANE Select); 10 bases into the intron after coding-DNA position 1992, T replaced by C.
Molecular consequence: intron variant.
Genome position (GRCh38, 1-based): chr15:89,291,724, T>C. VCF-style: chr15-89291724-T-C. GRCh37 (hg19) VCF-style: chr15-89834955-T-C.
Other names: c.1992+10T>C (NM_018193.3, NM_001376911.1); c.1713+10T>C (NM_001376910.1).
Identifiers: ClinVar variation 456200 (VCV000456200.14), dbSNP rs375345390, ClinGen allele CA7723233.

ClinVar aggregate classification (germline): Benign/Likely benign. Review status: criteria provided, multiple submitters, no conflicts (2 of 4 stars). 4 submissions from 4 submitters: Benign (1); Likely benign (2). 1 of the submissions does not count toward it. Last evaluated 2025-12-24.

Conditions:
FANCI-related disorder. Also called: FANCI-related condition.
Fanconi anemia (FA). Also called: Fanconi's anemia. Identifiers: Orphanet 84, MedGen C0015625, MeSH D005199, MONDO:0019391.
Fanconi anemia complementation group I (FANCI). Also called: FANCI-Related Fanconi Anemia. Identifiers: Orphanet 84, MedGen C1836861, MONDO:0012186, OMIM 609053.

Allele frequency attached by ClinVar (database versions not stated): gnomAD exomes 0.00007; ExAC 0.00012; gnomAD 0.00035 and 0.00036; TOPMed 0.00035; ESP Exome Variant Server 0.00038; 1000 Genomes Project 0.00060; 1000 Genomes Project 30x 0.00078.
gnomAD v4.1: 116 of 1,598,252 alleles (0.0073%); highest among the groups gnomAD compares: African/African-American, 0.13%; 1 homozygote.

Submissions (4):

Labcorp Genetics (formerly Invitae), Labcorp
Classification: Likely benign for Fanconi anemia. Last evaluated: 2025-12-24. Review status: criteria provided, single submitter. Criteria: Invitae Variant Classification Sherloc (09022015). Collection method: clinical testing. Allele origin: germline.

KCCC/NGS Laboratory, Kuwait Cancer Control Center
Classification: Benign for Fanconi anemia complementation group I. Last evaluated: 2025-02-01. Review status: criteria provided, single submitter. Criteria: ACMG Guidelines, 2015. Collection method: clinical testing. Allele origin: germline. Affected: no.

Fulgent Genetics
Classification: Likely benign for Fanconi anemia complementation group I. Last evaluated: 2021-10-20. Review status: criteria provided, single submitter. Criteria: ACMG Guidelines, 2015. Collection method: clinical testing. Allele origin: unknown.

PreventionGenetics, part of Exact Sciences
Classification: Likely benign for FANCI-related condition. Last evaluated: 2019-09-18. Review status: no assertion criteria provided. Collection method: clinical testing. Allele origin: germline. Not counted in ClinVar's aggregate classification.
Comment: This variant is classified as likely benign based on ACMG/AMP sequence variant interpretation guidelines (Richards et al. 2015 PMID: 25741868, with internal and published modifications).